The following is an entry in ClinVar:

NM_001291303.3(FAT4):c.3769C>G (p.Gln1257Glu)

Gene: FAT4 (FAT atypical cadherin 4; plus strand). Cytogenetic location: 4q28.1.
Variant type: single nucleotide variant.
Coding change: c.3769C>G on transcript NM_001291303.3 (MANE Select); coding-DNA position 3769, C replaced by G.
Protein change: p.Gln1257Glu; replaces glutamine 1257 with glutamic acid.
Molecular consequence: missense variant.
Genome position (GRCh38, 1-based): chr4:125,320,180, C>G. VCF-style: chr4-125320180-C-G. GRCh37 (hg19) VCF-style: chr4-126241335-C-G.
Other names: c.3769C>G, p.Gln1257Glu (NM_001291285.3, NM_024582.6); short protein forms Q1257E.
Identifiers: ClinVar variation 380882 (VCV000380882.14), dbSNP rs36052762, ClinGen allele CA3072364.

ClinVar aggregate classification (germline): Benign. Review status: criteria provided, multiple submitters, no conflicts (2 of 4 stars). 6 submissions from 6 submitters: Benign (4). 2 of the submissions do not count toward it. Last evaluated 2026-02-04.

Allele frequency attached by ClinVar (database versions not stated): ESP Exome Variant Server 0.03835; gnomAD 0.05186 and 0.05794; gnomAD exomes 0.05528 and 0.09017; TOPMed 0.06455; ExAC 0.08517; 1000 Genomes Project 30x 0.10743; 1000 Genomes Project 0.10863.
gnomAD v4.1: 90,171 of 1,613,542 alleles (5.6%); highest among the groups gnomAD compares: East Asian, 22%; 4,629 homozygotes.

Submissions (6):

Labcorp Genetics (formerly Invitae), Labcorp
Classification: Benign. Last evaluated: 2026-02-04. Review status: criteria provided, single submitter. Criteria: Invitae Variant Classification Sherloc (09022015). Collection method: clinical testing. Allele origin: germline.

Unidad de Genómica Garrahan, Hospital de Pediatría Garrahan
Classification: Benign. Last evaluated: 2024-01-24. Review status: criteria provided, single submitter. Criteria: ACMG Guidelines, 2015. Collection method: clinical testing. Allele origin: germline. Affected: no. Observed: 26 variant alleles.
Comment: This variant is classified as Benign based on local population frequency. This variant was detected in 27% of patients studied by a panel of primary immunodeficiencies. Number of patients: 26. Only high quality variants are reported.

GeneDx
Classification: Benign. Last evaluated: 2016-03-14. Review status: criteria provided, single submitter. Criteria: GeneDx Variant Classification (06012015). Collection method: clinical testing. Allele origin: germline. Affected: yes.
Comment: This variant is considered likely benign or benign based on one or more of the following criteria: it is a conservative change, it occurs at a poorly conserved position in the protein, it is predicted to be benign by multiple in silico algorithms, and/or has population frequency not consistent with disease.

Breakthrough Genomics
Classification: Benign. Review status: criteria provided, single submitter. Criteria: ACMG Guidelines, 2015. Collection method: not provided. Allele origin: germline. Inheritance: Autosomal recessive inheritance. Affected: yes.

Clinical Genetics DNA and cytogenetics Diagnostics Lab, Erasmus MC, Erasmus Medical Center
Classification: Benign. Review status: no assertion criteria provided. Collection method: clinical testing. Allele origin: germline. Affected: yes. Study: VKGL Data-share Consensus. Not counted in ClinVar's aggregate classification.

Clinical Genetics, Academic Medical Center
Classification: Benign. Review status: no assertion criteria provided. Collection method: clinical testing. Allele origin: germline. Affected: yes. Study: VKGL Data-share Consensus. Not counted in ClinVar's aggregate classification.